The following is an entry in ClinVar:

ClinVar aggregate classification (germline): Conflicting classifications of pathogenicity. Review status: criteria provided, conflicting classifications (1 of 4 stars). 3 submissions from 3 submitters: Uncertain significance (2); Likely benign (1). Last evaluated 2025-12-24.

Conditions:
Cardiovascular phenotype. Identifiers: MedGen CN230736.
Brugada syndrome 6 (BRGDA6). Identifiers: Orphanet 130, MedGen C2751089, MONDO:0013145, OMIM 613119.
Prolonged QT interval. Identifiers: MedGen C0151878, HP:0001657.

Allele frequency attached by ClinVar (database versions not stated): gnomAD exomes 0.00002 and 0.00004; ExAC 0.00003; gnomAD 0.00005; TOPMed 0.00010; 1000 Genomes Project 30x 0.00016; 1000 Genomes Project 0.00020.
gnomAD v4.1: 36 of 1,614,186 alleles (0.0022%); highest among the groups gnomAD compares: East Asian, 0.013%; no homozygotes.

Submissions (3):

Labcorp Genetics (formerly Invitae), Labcorp
Classification: Uncertain significance for Brugada syndrome 6. Last evaluated: 2025-12-24. Review status: criteria provided, single submitter. Criteria: Invitae Variant Classification Sherloc (09022015). Collection method: clinical testing. Allele origin: germline.
Comment: This sequence change replaces arginine, which is basic and polar, with cysteine, which is neutral and slightly polar, at codon 81 of the KCNE3 protein (p.Arg81Cys). This variant is present in population databases (rs542842233, gnomAD 0.04%). This variant has not been reported in the literature in individuals affected with KCNE3-related conditions. ClinVar contains an entry for this variant (Variation ID: 972690). An algorithm developed to predict the effect of missense changes on protein structure and function (PolyPhen-2) suggests that this variant is likely to be disruptive. In summary, the available evidence is currently insufficient to determine the role of this variant in disease. Therefore, it has been classified as a Variant of Uncertain Significance.

Ambry Genetics
Classification: Likely benign for Cardiovascular phenotype. Last evaluated: 2025-06-16. Review status: criteria provided, single submitter. Criteria: Ambry Variant Classification Scheme 2023. Collection method: clinical testing. Allele origin: germline.

MVZ Martinsried, Medicover Genetics
Classification: Uncertain significance for Prolonged QT interval. Last evaluated: 2020-02-13. Review status: criteria provided, single submitter. Criteria: ACMG Guidelines, 2015. Collection method: clinical testing. Allele origin: unknown. Affected: yes.

NM_005472.5(KCNE3):c.241C>T (p.Arg81Cys)

Gene: KCNE3 (potassium voltage-gated channel subfamily E regulatory subunit 3; minus strand). Cytogenetic location: 11q13.4.
Variant type: single nucleotide variant.
Coding change: c.241C>T on transcript NM_005472.5 (MANE Select); coding-DNA position 241, C replaced by T.
Protein change: p.Arg81Cys; replaces arginine 81 with cysteine.
Molecular consequence: missense variant.
Genome position (GRCh38, 1-based): chr11:74,457,323, G>A on the plus strand (C>T on the coding strand, the complement: KCNE3 is on the minus strand). VCF-style: chr11-74457323-G-A. GRCh37 (hg19) VCF-style: chr11-74168368-G-A.
Other names: short protein forms R81C.
Identifiers: ClinVar variation 972690 (VCV000972690.13), dbSNP rs542842233, ClinGen allele CA6184827.